The following is an entry in ClinVar:

NM_001378457.1(DMXL2):c.4720C>T (p.Arg1574Cys)

Gene: DMXL2 (Dmx like 2; minus strand). Cytogenetic location: 15q21.2.
Variant type: single nucleotide variant.
Coding change: c.4720C>T on transcript NM_001378457.1 (MANE Select); coding-DNA position 4720, C replaced by T.
Protein change: p.Arg1574Cys; replaces arginine 1574 with cysteine.
Molecular consequence: missense variant. On other transcripts: non-coding transcript variant (2), intron variant (1).
Genome position (GRCh38, 1-based): chr15:51,495,087, G>A on the plus strand (C>T on the coding strand, the complement: DMXL2 is on the minus strand). VCF-style: chr15-51495087-G-A. GRCh37 (hg19) VCF-style: chr15-51787284-G-A.
Other names: c.4720C>T, p.Arg1574Cys (NM_001174116.3, NM_001378458.1, NM_001378459.1 and 4 more transcripts); c.2812C>T, p.Arg938Cys (NM_001174117.3); c.4480C>T, p.Arg1494Cys (NM_001378464.1); c.2765-3340C>T (NM_001378460.1); short protein forms R1574C, R1494C, R938C.
Identifiers: ClinVar variation 2285815 (VCV002285815.6), dbSNP rs759997371, ClinGen allele CA7561968.
Genomic context (GRCh38, chr15:51,495,087, plus strand): 5'-GATGAAGTAGCTGCACTCGGTATAAAGGAGGCAGCGATGTCAAAAGGCATGTGTGTAGGC[G>A]CATAGCTAACAAGTATCTCAAACCACACTCATCTAATGTATCTCTTCCTGTAATTTAAAC-3'
Protein context (NP_001365386.1, residues 1564-1584): ECGLRYLLAM[Arg1574Cys]LHTCLLTSLP

ClinVar aggregate classification (germline): Uncertain significance. Review status: criteria provided, multiple submitters, no conflicts (2 of 4 stars). 3 submissions from 3 submitters: Uncertain significance (2). 1 of the submissions does not count toward it. Last evaluated 2026-04-24.

Conditions:
DMXL2-related disorder. Also called: DMXL2-related condition.
Inborn genetic diseases. Identifiers: MedGen C0950123, MeSH D030342.

Allele frequency attached by ClinVar (database versions not stated): gnomAD exomes 0.00001; gnomAD 0.00002; TOPMed 0.00002; ExAC 0.00006.
gnomAD v4.1: 24 of 1,612,952 alleles (0.0015%); highest among the groups gnomAD compares: Admixed American, 0.005%; no homozygotes.

Submissions (3):

Women's Health and Genetics/Laboratory Corporation of America, LabCorp
Classification: Uncertain significance. Last evaluated: 2026-04-24. Review status: criteria provided, single submitter. Criteria: LabCorp Variant Classification Summary - May 2015. Collection method: clinical testing. Allele origin: germline.
Comment: Variant summary: DMXL2 c.4720C>T (p.Arg1574Cys) results in a non-conservative amino acid change in the encoded protein sequence. Algorithms developed to predict the effect of missense changes on protein structure and function are either unavailable or do not agree on the potential impact of this missense change. The variant allele was found at a frequency of 3.2e-05 in 250606 control chromosomes. The available data on variant occurrences in the general population are insufficient to allow any conclusion about variant significance. To our knowledge, no occurrence of c.4720C>T in individuals affected with DMXL2-related conditions and no experimental evidence demonstrating its impact on protein function have been reported. ClinVar contains an entry for this variant (Variation ID: 2285815). Based on the evidence outlined above, the variant was classified as uncertain significance.

Ambry Genetics
Classification: Uncertain significance for Inborn genetic diseases. Last evaluated: 2022-09-29. Review status: criteria provided, single submitter. Criteria: Ambry Variant Classification Scheme 2023. Collection method: clinical testing. Allele origin: germline.

PreventionGenetics, part of Exact Sciences
Classification: Uncertain significance for DMXL2-related condition. Last evaluated: 2024-08-14. Review status: no assertion criteria provided. Collection method: clinical testing. Allele origin: germline. Not counted in ClinVar's aggregate classification.
Comment: The DMXL2 c.4720C>T variant is predicted to result in the amino acid substitution p.Arg1574Cys. To our knowledge, this variant has not been reported in the literature. This variant is reported in 0.0053% of alleles in individuals of European (Non-Finnish) descent in gnomAD. At this time, the clinical significance of this variant is uncertain due to the absence of conclusive functional and genetic evidence.